The following is an entry in ClinVar:

NM_022124.6(CDH23):c.1584C>T (p.Arg528=)

Gene: CDH23 (cadherin related 23; plus strand). Cytogenetic location: 10q22.1.
Variant type: single nucleotide variant.
Coding change: c.1584C>T on transcript NM_022124.6 (MANE Select); coding-DNA position 1584, C replaced by T.
Protein change: p.Arg528=; no amino-acid change (arginine 528 retained).
Molecular consequence: synonymous variant.
Genome position (GRCh38, 1-based): chr10:71,677,525, C>T. VCF-style: chr10-71677525-C-T. GRCh37 (hg19) VCF-style: chr10-73437282-C-T.
Other names: c.1584C>T, p.Arg528= (NM_001171930.2, NM_001171931.2).
Identifiers: ClinVar variation 45877 (VCV000045877.22), dbSNP rs397517309, ClinGen allele CA137291.

ClinVar aggregate classification (germline): Conflicting classifications of pathogenicity. Review status: criteria provided, conflicting classifications (1 of 4 stars). 7 submissions from 6 submitters: Uncertain significance (2); Likely benign (4). 1 of the submissions does not count toward it. Last evaluated 2026-01-13.

Conditions:
CDH23-related disorder. Also called: CDH23-related disorders; CDH23-related condition.
Usher syndrome type 1 (USH1). Also called: RETINITIS PIGMENTOSA AND CONGENITAL DEAFNESS. Identifiers: Orphanet 231169, Orphanet 886, MedGen C1568247, MONDO:0010168, OMIM 276900.
Autosomal recessive nonsyndromic hearing loss 12. Also called: DEAFNESS, AUTOSOMAL RECESSIVE 12. Identifiers: Orphanet 90636, MedGen C1832394, MONDO:0011067, OMIM 601386.
Usher syndrome type 1D (USH1D). Also called: USHER SYNDROME, TYPE ID. Identifiers: Orphanet 231169, Orphanet 886, MedGen C1832845, MONDO:0010984, OMIM 601067.

Allele frequency attached by ClinVar (database versions not stated): ExAC 0.00009; gnomAD exomes 0.00009; gnomAD 0.00004 and 0.00007; TOPMed 0.00004.
gnomAD v4.1: 135 of 1,612,204 alleles (0.0084%); highest among the groups gnomAD compares: East Asian, 0.27%; no homozygotes.

Submissions (7):

Labcorp Genetics (formerly Invitae), Labcorp
Classification: Likely benign. Last evaluated: 2026-01-13. Review status: criteria provided, single submitter. Criteria: Invitae Variant Classification Sherloc (09022015). Collection method: clinical testing. Allele origin: germline.

PreventionGenetics, part of Exact Sciences
Classification: Likely benign for CDH23-related condition. Last evaluated: 2025-01-22. Review status: criteria provided, single submitter. Criteria: ACMG Guidelines, 2015. Collection method: clinical testing. Allele origin: germline.
Comment: This variant is classified as likely benign based on ACMG/AMP sequence variant interpretation guidelines (Richards et al. 2015 PMID: 25741868, with internal and published modifications).

Blueprint Genetics
Classification: Likely benign. Last evaluated: 2024-08-28. Review status: criteria provided, single submitter. Criteria: ACMG Guidelines, 2015. Collection method: clinical testing. Allele origin: germline.

Illumina Laboratory Services, Illumina
Classification: Uncertain significance for Usher syndrome type 1D. Last evaluated: 2018-01-13. Review status: criteria provided, single submitter. Criteria: ICSL Variant Classification Criteria 13 December 2019. Collection method: clinical testing. Allele origin: germline.

Illumina Laboratory Services, Illumina
Classification: Uncertain significance for Autosomal recessive nonsyndromic hearing loss 12. Last evaluated: 2018-01-13. Review status: criteria provided, single submitter. Criteria: ICSL Variant Classification Criteria 13 December 2019. Collection method: clinical testing. Allele origin: germline.

Laboratory for Molecular Medicine, Mass General Brigham Personalized Medicine
Classification: Likely benign. Last evaluated: 2013-01-30. Review status: criteria provided, single submitter. Criteria: LMM Criteria. Collection method: clinical testing. Allele origin: germline. Observed: 1 variant allele.
Comment: Arg528Arg in exon 16 of CDH23: This variant is not expected to have clinical sig nificance because it does not alter an amino acid residue and it is not located within the splice consensus sequence.

Natera, Inc.
Classification: Likely benign for Usher syndrome type 1. Last evaluated: 2020-03-03. Review status: no assertion criteria provided. Collection method: clinical testing. Allele origin: germline. Not counted in ClinVar's aggregate classification.